The following is an entry in ClinVar:

ClinVar aggregate classification (germline): Benign. Review status: criteria provided, multiple submitters, no conflicts (2 of 4 stars). 3 submissions from 3 submitters: Benign (2). 1 of the submissions does not count toward it. Last evaluated 2026-01-26.

Conditions:
DOCK2 deficiency. Also called: Immunodeficiency 40. Identifiers: Orphanet 447737, MedGen C4225328, MONDO:0014637, OMIM 616433.
DOCK2-related disorder. Also called: DOCK2-related condition.

Allele frequency attached by ClinVar (database versions not stated): 1000 Genomes Project 0.00978; 1000 Genomes Project 30x 0.00999; TOPMed 0.01102.
gnomAD v4.1: 2,901 of 1,613,834 alleles (0.18%); highest among the groups gnomAD compares: African/African-American, 3.3%; 41 homozygotes.

Submissions (3):

Labcorp Genetics (formerly Invitae), Labcorp
Classification: Benign for DOCK2 deficiency. Last evaluated: 2026-01-26. Review status: criteria provided, single submitter. Criteria: Invitae Variant Classification Sherloc (09022015). Collection method: clinical testing. Allele origin: germline.

Women's Health and Genetics/Laboratory Corporation of America, LabCorp
Classification: Benign. Last evaluated: 2026-01-23. Review status: criteria provided, single submitter. Criteria: LabCorp Variant Classification Summary - May 2015. Collection method: clinical testing. Allele origin: germline.

PreventionGenetics, part of Exact Sciences
Classification: Benign for DOCK2-related condition. Last evaluated: 2019-10-02. Review status: no assertion criteria provided. Collection method: clinical testing. Allele origin: germline. Not counted in ClinVar's aggregate classification.
Comment: This variant is classified as benign based on ACMG/AMP sequence variant interpretation guidelines (Richards et al. 2015 PMID: 25741868, with internal and published modifications).

NM_004946.3(DOCK2):c.1767T>G (p.Val589=)

Gene: DOCK2 (dedicator of cytokinesis 2; plus strand). Cytogenetic location: 5q35.1.
Variant type: single nucleotide variant.
Coding change: c.1767T>G on transcript NM_004946.3 (MANE Select); coding-DNA position 1767, T replaced by G.
Protein change: p.Val589=; no amino-acid change (valine 589 retained).
Molecular consequence: synonymous variant. On other transcripts: non-coding transcript variant (1).
Genome position (GRCh38, 1-based): chr5:169,714,135, T>G. VCF-style: chr5-169714135-T-G. GRCh37 (hg19) VCF-style: chr5-169141139-T-G.
Other names: c.1767T>G, p.Val589= (LRG_1227t1).
Identifiers: ClinVar variation 476003 (VCV000476003.15), dbSNP rs34864600, ClinGen allele CA3553584.